The following is an entry in ClinVar:

NM_002055.5(GFAP):c.716G>T (p.Arg239Leu)

Gene: GFAP (glial fibrillary acidic protein; minus strand). Cytogenetic location: 17q21.31.
Variant type: single nucleotide variant.
Coding change: c.716G>T on transcript NM_002055.5 (MANE Select); coding-DNA position 716, G replaced by T.
Protein change: p.Arg239Leu; replaces arginine 239 with leucine.
Molecular consequence: missense variant.
Genome position (GRCh38, 1-based): chr17:44,913,333, C>A on the plus strand (G>T on the coding strand, the complement: GFAP is on the minus strand). VCF-style: chr17-44913333-C-A. GRCh37 (hg19) VCF-style: chr17-42990701-C-A.
Other names: c.716G>T, p.Arg239Leu (NM_001131019.3, NM_001242376.3, NM_001363846.2); short protein forms R239L.
Identifiers: ClinVar variation 66498 (VCV000066498.13), dbSNP rs59565950, ClinGen allele CA217211.

ClinVar aggregate classification (germline): Pathogenic. Review status: criteria provided, multiple submitters, no conflicts (2 of 4 stars). 5 submissions from 5 submitters: Pathogenic (3). 2 of the submissions do not count toward it. Last evaluated 2026-08-06.

Conditions:
Alexander disease (ALXDRD). Also called: Alexander's disease. Identifiers: Orphanet 58, MedGen C0270726, MONDO:0008752, OMIM 203450.

Submissions (5):

OLLIN Analises Genomicas, OLLIN
Classification: Pathogenic for Alexander disease. Last evaluated: 2026-08-06. Review status: criteria provided, single submitter. Criteria: ACMG Guidelines 2015 PMID 25741868. Collection method: clinical testing. Allele origin: germline. Inheritance: Autosomal dominant inheritance.
Comment: This missense variant, located in exon 4 (of 9), is absent from gnomAD but has been reported in ClinVar (accession VCV000016168.42) and in the scientific literature in individuals with GFAP related disorders (PMID: 11138011, 11587071). In silico analysis predicts that this variant has a deleterious effect. This variant is located in a region considered to be a mutational hotspot. Another pathogenic variant affecting the same amino acid residue has been reported (PMID: 11138011, 11587071). According to the currently available evidence, this variant has been classified as pathogenic (PS4, PM2_P, PM1, PM5, PP3).

Labcorp Genetics (formerly Invitae), Labcorp
Classification: Pathogenic. Last evaluated: 2022-02-18. Review status: criteria provided, single submitter. Criteria: Invitae Variant Classification Sherloc (09022015). Collection method: clinical testing. Allele origin: germline.
Comment: This variant disrupts the p.Arg239 amino acid residue in GFAP. Other variant(s) that disrupt this residue have been determined to be pathogenic (PMID: 11138011, 11587071). This suggests that this residue is clinically significant, and that variants that disrupt this residue are likely to be disease-causing. For these reasons, this variant has been classified as Pathogenic. Algorithms developed to predict the effect of missense changes on protein structure and function (SIFT, PolyPhen-2, Align-GVGD) all suggest that this variant is likely to be disruptive. ClinVar contains an entry for this variant (Variation ID: 66498). This missense change has been observed in individual(s) with Alexander disease (PMID: 17043438, 21041050, 34146839). In at least one individual the variant was observed to be de novo. This variant is not present in population databases (gnomAD no frequency). This sequence change replaces arginine, which is basic and polar, with leucine, which is neutral and non-polar, at codon 239 of the GFAP protein (p.Arg239Leu).

Kasturba Medical College, Manipal, Kasturba Medical College, Manipal, Manipal Academy of Higher Education, Manipal, India
Classification: Pathogenic for Alexander disease. Review status: criteria provided, single submitter. Criteria: ACMG Guidelines, 2015. Collection method: clinical testing. Allele origin: de novo. Inheritance: Autosomal dominant inheritance. Affected: yes. Observed: 1 heterozygote.

Epithelial Biology;  Institute of Medical Biology, Singapore
No classification provided. Review status: no classification provided. Collection method: not provided. Allele origin: not provided. Not counted in ClinVar's aggregate classification.

GeneReviews
No classification provided. Condition: Alexander disease. Review status: no classification provided. Collection method: literature only. Allele origin: germline. Not counted in ClinVar's aggregate classification.

Literature cited by the submitters: PubMed 11138011 (cited by OLLIN Analises Genomicas, OLLIN and Labcorp Genetics (formerly Invitae), Labcorp); PubMed 11587071 (cited by OLLIN Analises Genomicas, OLLIN and Labcorp Genetics (formerly Invitae), Labcorp); PubMed 17043438 (cited by 3 submitters); PubMed 21041050 (cited by Labcorp Genetics (formerly Invitae), Labcorp and GeneReviews); PubMed 34146839 (cited by Labcorp Genetics (formerly Invitae), Labcorp); NCBI Bookshelf NBK1172 (cited by GeneReviews).